The following is an entry in ClinVar:

NM_021625.5(TRPV4):c.1087G>C (p.Glu363Gln)

Gene: TRPV4 (transient receptor potential cation channel subfamily V member 4; minus strand). Cytogenetic location: 12q24.11.
Variant type: single nucleotide variant.
Coding change: c.1087G>C on transcript NM_021625.5 (MANE Select); coding-DNA position 1087, G replaced by C.
Protein change: p.Glu363Gln; replaces glutamic acid 363 with glutamine.
Molecular consequence: missense variant.
Genome position (GRCh38, 1-based): chr12:109,798,679, C>G on the plus strand (G>C on the coding strand, the complement: TRPV4 is on the minus strand). VCF-style: chr12-109798679-C-G. GRCh37 (hg19) VCF-style: chr12-110236484-C-G.
Other names: c.946G>C, p.Glu316Gln (NM_001177428.2, NM_001177433.2); c.985G>C, p.Glu329Gln (NM_001177431.2); c.1087G>C, p.Glu363Gln (NM_147204.3); short protein forms E363Q, E329Q, E316Q.
Identifiers: ClinVar variation 2802832 (VCV002802832.3), dbSNP rs1331970734, ClinGen allele CA386654243.
Genomic context (GRCh38, chr12:109,798,679, plus strand): 5'-TCTTGCCCGTCTTGGCAGCCATCATGAGGGGCGAGAGGCCGTCGTTGTTGAGCACGGCCT[C>G]CAGGTTGCTGTCGGGGAAGAGGCGGGCACACTTGAGCAGCAGCAGGTCGTACATCTTGGT-3'
Protein context (NP_067638.3, residues 353-373): CARLFPDSNL[Glu363Gln]AVLNNDGLSP

ClinVar aggregate classification (germline): Uncertain significance (1 of 4 stars; one submission).

Conditions:
Charcot-Marie-Tooth disease axonal type 2C (HMSN2C). Also called: CHARCOT-MARIE-TOOTH DISEASE, AXONAL, AUTOSOMAL DOMINANT, TYPE 2C; Charcot-Marie-Tooth Neuropathy Type 2C; Charcot-Marie-Tooth Disease Type 2, TRPV4-Related (CMT2C). Identifiers: Orphanet 99937, MedGen C1853710, MONDO:0011633, OMIM 606071.

Submission:

Labcorp Genetics (formerly Invitae), Labcorp
Classification: Uncertain significance for Charcot-Marie-Tooth disease axonal type 2C. Last evaluated: 2022-12-25. Review status: criteria provided, single submitter. Criteria: Invitae Variant Classification Sherloc (09022015). Collection method: clinical testing. Allele origin: germline.
Comment: This sequence change replaces glutamic acid, which is acidic and polar, with glutamine, which is neutral and polar, at codon 363 of the TRPV4 protein (p.Glu363Gln). In summary, the available evidence is currently insufficient to determine the role of this variant in disease. Therefore, it has been classified as a Variant of Uncertain Significance. Advanced modeling of protein sequence and biophysical properties (such as structural, functional, and spatial information, amino acid conservation, physicochemical variation, residue mobility, and thermodynamic stability) has been performed at Invitae for this missense variant, however the output from this modeling did not meet the statistical confidence thresholds required to predict the impact of this variant on TRPV4 protein function. This variant has not been reported in the literature in individuals affected with TRPV4-related conditions. This variant is not present in population databases (gnomAD no frequency).